The following is an entry in ClinVar:

NM_001330700.2(TOP2B):c.265G>A (p.Val89Ile)

Gene: TOP2B (DNA topoisomerase II beta; minus strand). Cytogenetic location: 3p24.2.
Variant type: single nucleotide variant.
Coding change: c.265G>A on transcript NM_001330700.2 (MANE Select); coding-DNA position 265, G replaced by A.
Protein change: p.Val89Ile; replaces valine 89 with isoleucine.
Molecular consequence: missense variant.
Genome position (GRCh38, 1-based): chr3:25,643,760, C>T on the plus strand (G>A on the coding strand, the complement: TOP2B is on the minus strand). VCF-style: chr3-25643760-C-T. GRCh37 (hg19) VCF-style: chr3-25685251-C-T.
Other names: c.250G>A, p.Val84Ile (NM_001068.3); short protein forms V84I, V89I.
Identifiers: ClinVar variation 4712967 (VCV004712967.1).

ClinVar aggregate classification (germline): Uncertain significance (1 of 4 stars; one submission).

Submission:

Labcorp Genetics (formerly Invitae), Labcorp
Classification: Uncertain significance. Last evaluated: 2025-02-13. Review status: criteria provided, single submitter. Criteria: Invitae Variant Classification Sherloc (09022015). Collection method: clinical testing. Allele origin: germline.
Comment: This sequence change replaces valine, which is neutral and non-polar, with isoleucine, which is neutral and non-polar, at codon 84 of the TOP2B protein (p.Val84Ile). This variant is not present in population databases (gnomAD no frequency). This variant has not been reported in the literature in individuals affected with TOP2B-related conditions. An algorithm developed to predict the effect of missense changes on protein structure and function (PolyPhen-2) suggests that this variant is likely to be tolerated. In summary, the available evidence is currently insufficient to determine the role of this variant in disease. Therefore, it has been classified as a Variant of Uncertain Significance.